The following is an entry in ClinVar:

NM_021098.3(CACNA1H):c.5173+5G>A

Gene: CACNA1H (calcium voltage-gated channel subunit alpha1 H; plus strand). Cytogenetic location: 16p13.3.
Variant type: single nucleotide variant.
Coding change: c.5173+5G>A on transcript NM_021098.3 (MANE Select); 5 bases into the intron after coding-DNA position 5173, G replaced by A.
Molecular consequence: intron variant.
Genome position (GRCh38, 1-based): chr16:1,215,380, G>A. VCF-style: chr16-1215380-G-A. GRCh37 (hg19) VCF-style: chr16-1265380-G-A.
Other names: c.5155+5G>A (NM_001005407.2).
Identifiers: ClinVar variation 578628 (VCV000578628.6), dbSNP rs1567550121, ClinGen allele CA891844259.
Genomic context (GRCh38, chr16:1,215,380, plus strand): 5'-GCTGCCCATCAACCCCACCATCATCCGCATCATGCGCGTGCTTCGCATTGCCCGTGGTAG[G>A]TGCCCGCGTGCCCGCCAGGTTCTCTCTGCGGGTGGAGGGTGGGGGCTCAGCCATGGGTGG-3'

ClinVar aggregate classification (germline): Uncertain significance (1 of 4 stars; one submission).

Conditions:
Idiopathic generalized epilepsy. Also called: Generalised epilepsy; EIG. Identifiers: MedGen C0270850, MONDO:0005579, OMIM 600669.
Hyperaldosteronism, familial, type IV (HALD4). Also called: FH IV; ALDOSTERONISM, PRIMARY, AND HYPERTENSION. Identifiers: Orphanet 642671, MedGen C4310756, MONDO:0014875, OMIM 617027.

Submission:

Labcorp Genetics (formerly Invitae), Labcorp
Classification: Uncertain significance for Idiopathic generalized epilepsy; Hyperaldosteronism, familial, type IV. Last evaluated: 2018-03-07. Review status: criteria provided, single submitter. Criteria: Invitae Variant Classification Sherloc (09022015). Collection method: clinical testing. Allele origin: germline.
Comment: This variant has not been reported in the literature in individuals with CACNA1H-related disease. This variant is not present in population databases (ExAC no frequency). Nucleotide substitutions within the consensus splice site are a relatively common cause of aberrant splicing (PMID: 17576681, 9536098). Algorithms developed to predict the effect of sequence changes on RNA splicing suggest that this variant may disrupt the consensus splice site, but this prediction has not been confirmed by published transcriptional studies. In summary, the available evidence is currently insufficient to determine the role of this variant in disease. Therefore, it has been classified as a Variant of Uncertain Significance. This sequence change falls in intron 29 of the CACNA1H gene. It does not directly change the encoded amino acid sequence of the CACNA1H protein, but it affects a nucleotide within the consensus splice site of the intron.

Literature cited by the submitters: PubMed 17576681; PubMed 9536098.